The following is an entry in ClinVar:

NM_213622.4(STAMBP):c.938C>T (p.Thr313Ile)

Gene: STAMBP (STAM binding protein; plus strand). Cytogenetic location: 2p13.1.
Variant type: single nucleotide variant.
Coding change: c.938C>T on transcript NM_213622.4 (MANE Select); coding-DNA position 938, C replaced by T.
Protein change: p.Thr313Ile; replaces threonine 313 with isoleucine.
Molecular consequence: missense variant. On other transcripts: non-coding transcript variant (4).
Genome position (GRCh38, 1-based): chr2:73,850,446, C>T. VCF-style: chr2-73850446-C-T. GRCh37 (hg19) VCF-style: chr2-74077573-C-T.
Other names: c.938C>T, p.Thr313Ile (NM_001353967.2, NM_001353968.2, NM_001353969.2 and 3 more transcripts); c.533C>T, p.Thr178Ile (NM_001353971.2, NM_001353972.2, NM_001353973.2 and 3 more transcripts); short protein forms T313I, T178I.
Identifiers: ClinVar variation 420170 (VCV000420170.3), dbSNP rs202100019, ClinGen allele CA16617763.

ClinVar aggregate classification (germline): Pathogenic/Likely pathogenic. Review status: criteria provided, multiple submitters, no conflicts (2 of 4 stars). 2 submissions from 2 submitters: Pathogenic (1); Likely pathogenic (1). Last evaluated 2025-06-06.

Conditions:
STAMBP-related disorder. Also called: STAMBP-related condition.

Allele frequency attached by ClinVar (database versions not stated): gnomAD exomes below 0.00001.
gnomAD v4.1: 1 of 1,613,918 alleles (0.000062%); highest among the groups gnomAD compares: Non-Finnish European, 0.000085%; no homozygotes.

Submissions (2):

PreventionGenetics, part of Exact Sciences
Classification: Likely pathogenic for STAMBP-related condition. Last evaluated: 2025-06-06. Review status: criteria provided, single submitter. Criteria: ACMG Guidelines, 2015. Collection method: clinical testing. Allele origin: germline.
Comment: The STAMBP c.938C>T variant is predicted to result in the amino acid substitution p.Thr313Ile. This variant was reported in the compound heterozygous state with a frameshift variant in an individual with microcephaly-capillary malformation syndrome (McDonell et al. 2013. PubMed ID: 23542699, see P6.1 in Table 1 and Family 6 in Supplementary Figure 3). In a functional study, this variant was reported to lead to a substantial loss of catalytic activity of the AMSH deubiquitinating enzyme (Davies et al. 2013. PubMed ID: 24151880). This variant has not been reported in a large population database (gnomAD), indicating it is rare. Taken together, this variant is interpreted as likely pathogenic.

GeneDx
Classification: Pathogenic. Last evaluated: 2017-03-24. Review status: criteria provided, single submitter. Criteria: GeneDx Variant Classification (06012015). Collection method: clinical testing. Allele origin: germline. Affected: yes.
Comment: The T313I variant in the STAMBP gene has been reported previously in microcephaly-capillary malformation syndrome in an affected individual who was compound heterozygous for the T313I variant and another variant (McDonell et al., 2013). The T313I variant is not observed in large population cohorts (Lek et al., 2016; 1000 Genomes Consortium et al., 2015; Exome Variant Server). The T313I variant is a non-conservative amino acid substitution, which is likely to impact secondary protein structure as these residues differ in polarity, charge, size and/or other properties. This substitution occurs at a position that is conserved across species. Functional studies showed a reduction in catalytic activity for T313I (Davies et al., 2013) We interpret T313I as a pathogenic variant.